The following is an entry in ClinVar:

ClinVar aggregate classification (germline): Uncertain significance. Review status: criteria provided, multiple submitters, no conflicts (2 of 4 stars). 2 submissions from 2 submitters: Uncertain significance (2). Last evaluated 2024-11-25.

gnomAD v4.1: 3 of 1,613,230 alleles (0.00019%); highest among the groups gnomAD compares: Admixed American, 0.0017%; no homozygotes.

Submissions (2):

Ambry Genetics
Classification: Uncertain significance. Last evaluated: 2024-11-25. Review status: criteria provided, single submitter. Criteria: Ambry Variant Classification Scheme 2023. Collection method: clinical testing. Allele origin: germline.

Labcorp Genetics (formerly Invitae), Labcorp
Classification: Uncertain significance. Last evaluated: 2024-06-17. Review status: criteria provided, single submitter. Criteria: Invitae Variant Classification Sherloc (09022015). Collection method: clinical testing. Allele origin: germline.
Comment: This sequence change replaces alanine, which is neutral and non-polar, with threonine, which is neutral and polar, at codon 31 of the ITGAM protein (p.Ala31Thr). The frequency data for this variant in the population databases is considered unreliable, as metrics indicate poor data quality at this position in the gnomAD database. This variant has not been reported in the literature in individuals affected with ITGAM-related conditions. An algorithm developed to predict the effect of missense changes on protein structure and function (PolyPhen-2) suggests that this variant is likely to be disruptive. In summary, the available evidence is currently insufficient to determine the role of this variant in disease. Therefore, it has been classified as a Variant of Uncertain Significance.

NM_000632.4(ITGAM):c.91G>A (p.Ala31Thr)

Gene: ITGAM (integrin subunit alpha M; plus strand). Cytogenetic location: 16p11.2.
Variant type: single nucleotide variant.
Coding change: c.91G>A on transcript NM_000632.4 (MANE Select); coding-DNA position 91, G replaced by A.
Protein change: p.Ala31Thr; replaces alanine 31 with threonine.
Molecular consequence: missense variant.
Genome position (GRCh38, 1-based): chr16:31,261,754, G>A. VCF-style: chr16-31261754-G-A. GRCh37 (hg19) VCF-style: chr16-31273075-G-A.
Other names: c.91G>A, p.Ala31Thr (NM_001145808.2); short protein forms A31T.
Identifiers: ClinVar variation 3530505 (VCV003530505.3).
Genomic context (GRCh38, chr16:31,261,754, plus strand): 5'-TTGACCTTATGTCATGGGTTCAACTTGGACACTGAAAACGCAATGACCTTCCAAGAGAAC[G>A]CAAGGGGCTTCGGGCAGAGCGTGGTCCAGCTTCAGGGATCCAGGTGAGACCCTTAGATGG-3'
Protein context (NP_000623.2, residues 21-41): TENAMTFQEN[Ala31Thr]RGFGQSVVQL